The following is an entry in ClinVar:

ClinVar aggregate classification (germline): Uncertain significance (1 of 4 stars; one submission).

Submission:

Labcorp Genetics (formerly Invitae), Labcorp
Classification: Uncertain significance. Last evaluated: 2024-08-24. Review status: criteria provided, single submitter. Criteria: Invitae Variant Classification Sherloc (09022015). Collection method: clinical testing. Allele origin: germline.
Comment: This sequence change replaces glutamic acid, which is acidic and polar, with aspartic acid, which is acidic and polar, at codon 268 of the NTHL1 protein (p.Glu268Asp). This variant is not present in population databases (gnomAD no frequency). This variant has not been reported in the literature in individuals affected with NTHL1-related conditions. An algorithm developed to predict the effect of missense changes on protein structure and function outputs the following: PolyPhen-2: "Benign". The aspartic acid amino acid residue is found in multiple mammalian species, which suggests that this missense change does not adversely affect protein function. In summary, the available evidence is currently insufficient to determine the role of this variant in disease. Therefore, it has been classified as a Variant of Uncertain Significance.

NM_002528.7(NTHL1):c.780G>T (p.Glu260Asp)

Gene: NTHL1 (nth like DNA glycosylase 1; minus strand). Cytogenetic location: 16p13.3.
Variant type: single nucleotide variant.
Coding change: c.780G>T on transcript NM_002528.7 (MANE Select); coding-DNA position 780, G replaced by T.
Protein change: p.Glu260Asp; replaces glutamic acid 260 with aspartic acid.
Molecular consequence: missense variant.
Genome position (GRCh38, 1-based): chr16:2,040,144, C>A on the plus strand (G>T on the coding strand, the complement: NTHL1 is on the minus strand). VCF-style: chr16-2040144-C-A. GRCh37 (hg19) VCF-style: chr16-2090145-C-A.
Other names: c.609G>T, p.Glu203Asp (NM_001318193.2); c.450G>T, p.Glu150Asp (NM_001318194.2); short protein forms E150D, E203D, E260D.
Identifiers: ClinVar variation 2918798 (VCV002918798.3), dbSNP rs2233523, ClinGen allele CA394288688.